The following is an entry in ClinVar:

ClinVar aggregate classification (germline): Uncertain significance. Review status: criteria provided, multiple submitters, no conflicts (2 of 4 stars). 5 submissions from 5 submitters: Uncertain significance (5). Last evaluated 2026-01-25.

Conditions:
Global developmental delay - lung cysts - overgrowth - Wilms tumor syndrome. Also called: GLOW Syndrome; GLOBAL DEVELOPMENTAL DELAY, LUNG CYSTS, OVERGROWTH, AND WILMS TUMOR. Identifiers: Orphanet 404476, MedGen C4748924, MONDO:0018445, OMIM 618272.
DICER1-related tumor predisposition. Also called: DICER1-related pleuropulmonary blastoma cancer predisposition syndrome; DICER1 syndrome. Identifiers: Orphanet 284343, MedGen C3839822, MONDO:0100216.
Hereditary cancer-predisposing syndrome. Also called: Hereditary neoplastic syndrome; Neoplastic Syndromes, Hereditary; Tumor predisposition; Hereditary Cancer Syndrome. Identifiers: Orphanet 140162, MedGen C0027672, MeSH D009386, MONDO:0015356.

Allele frequency attached by ClinVar (database versions not stated): gnomAD exomes below 0.00001 and 0.00001.
gnomAD v4.1: 2 of 1,614,144 alleles (0.00012%); highest among the groups gnomAD compares: Non-Finnish European, 0.00017%; no homozygotes.

Submissions (5):

Labcorp Genetics (formerly Invitae), Labcorp
Classification: Uncertain significance for DICER1-related tumor predisposition. Last evaluated: 2026-01-25. Review status: criteria provided, single submitter. Criteria: Invitae Variant Classification Sherloc (09022015). Collection method: clinical testing. Allele origin: germline.
Comment: This sequence change replaces aspartic acid, which is acidic and polar, with glycine, which is neutral and non-polar, at codon 595 of the DICER1 protein (p.Asp595Gly). This variant is present in population databases (no rsID available, gnomAD 0.0009%). This variant has not been reported in the literature in individuals affected with DICER1-related conditions. ClinVar contains an entry for this variant (Variation ID: 412091). Invitae Evidence Modeling of protein sequence and biophysical properties (such as structural, functional, and spatial information, amino acid conservation, physicochemical variation, residue mobility, and thermodynamic stability) indicates that this missense variant is not expected to disrupt DICER1 protein function with a negative predictive value of 95%. In summary, the available evidence is currently insufficient to determine the role of this variant in disease. Therefore, it has been classified as a Variant of Uncertain Significance.

Ambry Genetics
Classification: Uncertain significance for Hereditary cancer-predisposing syndrome. Last evaluated: 2025-05-31. Review status: criteria provided, single submitter. Criteria: Ambry Variant Classification Scheme 2023. Collection method: clinical testing. Allele origin: germline.
Comment: The p.D595G variant (also known as c.1784A>G), located in coding exon 10 of the DICER1 gene, results from an A to G substitution at nucleotide position 1784. The aspartic acid at codon 595 is replaced by glycine, an amino acid with similar properties. This amino acid position is not well conserved in available vertebrate species. In addition, this alteration is predicted to be tolerated by in silico analysis. Since supporting evidence is limited at this time, the clinical significance of this alteration remains unclear.

GeneDx
Classification: Uncertain significance. Last evaluated: 2023-11-30. Review status: criteria provided, single submitter. Criteria: GeneDx Variant Classification Process June 2021. Collection method: clinical testing. Allele origin: germline. Affected: yes.
Comment: Not observed at significant frequency in large population cohorts (gnomAD); In silico analysis supports that this missense variant does not alter protein structure/function; Has not been previously published as pathogenic or benign to our knowledge

Baylor Genetics
Classification: Uncertain significance for Global developmental delay - lung cysts - overgrowth - Wilms tumor syndrome. Last evaluated: 2023-06-13. Review status: criteria provided, single submitter. Criteria: ACMG Guidelines, 2015. Collection method: clinical testing. Allele origin: unknown.

Quest Diagnostics Nichols Institute San Juan Capistrano
Classification: Uncertain significance. Last evaluated: 2023-05-15. Review status: criteria provided, single submitter. Criteria: Quest Diagnostics criteria. Collection method: clinical testing. Allele origin: unknown.
Comment: The variant has not been reported in the published literature. The frequency of this variant in the general population, 0.000008 (2/251466 chromosomes), is uninformative in assessment of its pathogenicity. Analysis of this variant using bioinformatics tools for the prediction of the effect of amino acid changes on protein structure and function yielded predictions that this variant is benign. Based on the available information, we are unable to determine the clinical significance of this variant.

NM_177438.3(DICER1):c.1784A>G (p.Asp595Gly)

Gene: DICER1 (dicer 1, ribonuclease III; minus strand). Cytogenetic location: 14q32.13.
Variant type: single nucleotide variant.
Coding change: c.1784A>G on transcript NM_177438.3 (MANE Select); coding-DNA position 1784, A replaced by G.
Protein change: p.Asp595Gly; replaces aspartic acid 595 with glycine.
Molecular consequence: missense variant.
Genome position (GRCh38, 1-based): chr14:95,115,790, T>C on the plus strand (A>G on the coding strand, the complement: DICER1 is on the minus strand). VCF-style: chr14-95115790-T-C. GRCh37 (hg19) VCF-style: chr14-95582127-T-C.
Other names: c.1784A>G, p.Asp595Gly (NM_001195573.1, NM_001271282.3, NM_001291628.2 and 1 more transcripts); short protein forms D595G.
Identifiers: ClinVar variation 412091 (VCV000412091.18), dbSNP rs1060503611, ClinGen allele CA16614678.
Genomic context (GRCh38, chr14:95,115,790, plus strand): 5'-ACATATGGTGGGAAAACGTCATCATCATCCATGACAGGATCAATGTCAGTCTCACCAGTA[T>C]CAACCGACTTGGAACACTTGTTTCTCAAGATCTGAACATTTAAAAAACAGAACTTATGAT-3'
Protein context (NP_803187.1, residues 585-605): ILRNKCSKSV[Asp595Gly]TGETDIDPVM